The following is an entry in ClinVar:

NM_147127.5(EVC2):c.809C>T (p.Ser270Leu)

Gene: EVC2 (EvC ciliary complex subunit 2; minus strand). Cytogenetic location: 4p16.2.
Variant type: single nucleotide variant.
Coding change: c.809C>T on transcript NM_147127.5 (MANE Select); coding-DNA position 809, C replaced by T.
Protein change: p.Ser270Leu; replaces serine 270 with leucine.
Molecular consequence: missense variant.
Genome position (GRCh38, 1-based): chr4:5,685,377, G>A on the plus strand (C>T on the coding strand, the complement: EVC2 is on the minus strand). VCF-style: chr4-5685377-G-A. GRCh37 (hg19) VCF-style: chr4-5687104-G-A.
Other names: c.569C>T, p.Ser190Leu (NM_001166136.2); short protein forms S270L, S190L.
Identifiers: ClinVar variation 452413 (VCV000452413.7), dbSNP rs369153874, ClinGen allele CA2835301.

ClinVar aggregate classification (germline): Uncertain significance. Review status: criteria provided, multiple submitters, no conflicts (2 of 4 stars). 4 submissions from 4 submitters: Uncertain significance (3). 1 of the submissions does not count toward it. Last evaluated 2025-12-03.

Conditions:
Inborn genetic diseases. Identifiers: MedGen C0950123, MeSH D030342.
EVC2-related disorder. Also called: EVC2-related condition.
Curry-Hall syndrome (WAD). Also called: WEYERS ACRODENTAL DYSOSTOSIS. Identifiers: Orphanet 952, MedGen C0457013, MONDO:0008673, OMIM 193530.
Ellis-van Creveld syndrome (EVC). Also called: Chondroectodermal dysplasia; MESOECTODERMAL DYSPLASIA; EVC-Related Ellis-van Creveld Syndrome; EVC2-Related Ellis-van Creveld Syndrome. Identifiers: Orphanet 289, MedGen C0013903, MONDO:0009162, OMIM 225500.

Allele frequency attached by ClinVar (database versions not stated): gnomAD exomes 0.00002 and 0.00004; ExAC 0.00004; ESP Exome Variant Server 0.00008; TOPMed 0.00009; gnomAD 0.00011.
gnomAD v4.1: 68 of 1,614,136 alleles (0.0042%); highest among the groups gnomAD compares: East Asian, 0.016%; no homozygotes.

Submissions (4):

Ambry Genetics
Classification: Uncertain significance for Inborn genetic diseases. Last evaluated: 2025-12-03. Review status: criteria provided, single submitter. Criteria: Ambry Variant Classification Scheme 2023. Collection method: clinical testing. Allele origin: germline.

Labcorp Genetics (formerly Invitae), Labcorp
Classification: Uncertain significance for Curry-Hall syndrome; Ellis-van Creveld syndrome. Last evaluated: 2022-08-09. Review status: criteria provided, single submitter. Criteria: Invitae Variant Classification Sherloc (09022015). Collection method: clinical testing. Allele origin: germline.
Comment: This sequence change replaces serine, which is neutral and polar, with leucine, which is neutral and non-polar, at codon 270 of the EVC2 protein (p.Ser270Leu). This variant is present in population databases (rs369153874, gnomAD 0.01%). This variant has not been reported in the literature in individuals affected with EVC2-related conditions. ClinVar contains an entry for this variant (Variation ID: 452413). Algorithms developed to predict the effect of missense changes on protein structure and function output the following: SIFT: "Tolerated"; PolyPhen-2: "Benign"; Align-GVGD: "Class C0". The leucine amino acid residue is found in multiple mammalian species, which suggests that this missense change does not adversely affect protein function. In summary, the available evidence is currently insufficient to determine the role of this variant in disease. Therefore, it has been classified as a Variant of Uncertain Significance.

GeneDx
Classification: Uncertain significance. Last evaluated: 2017-09-26. Review status: criteria provided, single submitter. Criteria: GeneDx Variant Classification (06012015). Collection method: clinical testing. Allele origin: germline. Affected: yes.
Comment: The S270L variant has not been published as a pathogenic variant, nor has it been reported as a benign variant to our knowledge. S270L is not observed at a significant frequency in large population cohorts (Lek et al., 2016). The S270L variant is a non-conservative amino acid substitution, which is likely to impact secondary protein structure as these residues differ in polarity, charge, size and/or other properties. This substitution occurs at a position that is not conserved. In silico analysis is inconsistent in its predictions as to whether or not the variant is damaging to the protein structure/function. In summary, based on the currently available information, it is unclear whether this variant is a pathogenic variant or a rare benign variant.

PreventionGenetics, part of Exact Sciences
Classification: Uncertain significance for EVC2-related condition. Last evaluated: 2024-07-08. Review status: no assertion criteria provided. Collection method: clinical testing. Allele origin: germline. Not counted in ClinVar's aggregate classification.
Comment: The EVC2 c.809C>T variant is predicted to result in the amino acid substitution p.Ser270Leu. To our knowledge, this variant has not been reported in the literature. This variant is reported in 0.0062% of alleles in individuals of African descent in gnomAD. At this time, the clinical significance of this variant is uncertain due to the absence of conclusive functional and genetic evidence.